The following is an entry in ClinVar:

NM_000211.5(ITGB2):c.1491C>A (p.Cys497Ter)

Gene: ITGB2 (integrin subunit beta 2; minus strand). Cytogenetic location: 21q22.3.
Variant type: single nucleotide variant.
Coding change: c.1491C>A on transcript NM_000211.5 (MANE Select); coding-DNA position 1491, C replaced by A.
Protein change: p.Cys497Ter; replaces cysteine 497 with a stop codon.
Molecular consequence: nonsense.
Genome position (GRCh38, 1-based): chr21:44,890,144, G>T on the plus strand (C>A on the coding strand, the complement: ITGB2 is on the minus strand). VCF-style: chr21-44890144-G-T. GRCh37 (hg19) VCF-style: chr21-46310059-G-T.
Other names: c.1491C>A, p.Cys497Ter (NM_001127491.3); c.1284C>A, p.Cys428Ter (NM_001303238.2); short protein forms C428*, C497*.
Identifiers: ClinVar variation 1324597 (VCV001324597.7), dbSNP rs774228764, ClinGen allele CA410484622.

ClinVar aggregate classification (germline): Pathogenic (1 of 4 stars; one submission).

Conditions:
Leukocyte adhesion deficiency 1 (LAD1). Also called: LAD 1; Lymphocyte function-associated antigen 1 immunodeficiency; LFA 1 immunodeficiency; LEUKOCYTE ADHESION DEFICIENCY, TYPE I. Identifiers: Orphanet 2968, Orphanet 99842, MedGen C0398738, MONDO:0007293, OMIM 116920.

Submission:

Labcorp Genetics (formerly Invitae), Labcorp
Classification: Pathogenic for Leukocyte adhesion deficiency 1. Last evaluated: 2021-06-01. Review status: criteria provided, single submitter. Criteria: Invitae Variant Classification Sherloc (09022015). Collection method: clinical testing. Allele origin: germline.
Comment: This sequence change creates a premature translational stop signal (p.Cys497*) in the ITGB2 gene. It is expected to result in an absent or disrupted protein product. Loss-of-function variants in ITGB2 are known to be pathogenic (PMID: 22134107, 25703682). This variant is not present in population databases (ExAC no frequency). This variant has not been reported in the literature in individuals with ITGB2-related conditions. For these reasons, this variant has been classified as Pathogenic.

Literature cited by the submitters: PubMed 22134107; PubMed 25703682.